The following is an entry in ClinVar:

ClinVar aggregate classification (germline): Uncertain significance (1 of 4 stars; one submission).

Conditions:
Inborn genetic diseases. Identifiers: MedGen C0950123, MeSH D030342.

gnomAD v4.1: 4 of 1,613,650 alleles (0.00025%); highest among the groups gnomAD compares: Admixed American, 0.0067%; no homozygotes.

Submission:

Ambry Genetics
Classification: Uncertain significance for Inborn genetic diseases. Last evaluated: 2026-08-30. Review status: criteria provided, single submitter. Criteria: Ambry Variant Classification Scheme 2023. Collection method: clinical testing. Allele origin: germline.
Comment: The p.V242I variant (also known as c.724G>A), located in coding exon 5 of the SBDS gene, results from a G to A substitution at nucleotide position 724. The valine at codon 242 is replaced by isoleucine, an amino acid with highly similar properties. This amino acid position is conserved. In addition, the in silico prediction for this alteration is inconclusive. Based on the available evidence, the clinical significance of this variant remains unclear.

NM_016038.4(SBDS):c.724G>A (p.Val242Ile)

Gene: SBDS (SBDS ribosome maturation factor; minus strand). Cytogenetic location: 7q11.21.
Variant type: single nucleotide variant.
Coding change: c.724G>A on transcript NM_016038.4 (MANE Select); coding-DNA position 724, G replaced by A.
Protein change: p.Val242Ile; replaces valine 242 with isoleucine.
Molecular consequence: missense variant.
Genome position (GRCh38, 1-based): chr7:66,988,400, C>T on the plus strand (G>A on the coding strand, the complement: SBDS is on the minus strand). VCF-style: chr7-66988400-C-T. GRCh37 (hg19) VCF-style: chr7-66453387-C-T.
Other names: short protein forms V242I.
Identifiers: ClinVar variation 5029010 (VCV005029010.1).
Genomic context (GRCh38, chr7:66,988,400, plus strand): 5'-AGTGTTTTAGAGGTGAAGAGATTGATGGGTGTCATTCAAATTTCTCATCTCCTTCTTCTA[C>T]ATCTTTCAGATTGAGTACTTCCAAAGAACCTTTGCCTTTAGTTTCCTTTTTTATTAGCTC-3'
Protein context (NP_057122.2, residues 232-250): GSLEVLNLKD[Val242Ile]EEGDEKFE